The following is an entry in ClinVar:

ClinVar aggregate classification (germline): Uncertain significance (1 of 4 stars; one submission).

Conditions:
Leukocyte adhesion deficiency type II. Also called: CDG IIc; CONGENITAL DISORDER OF GLYCOSYLATION, TYPE IIc; Congenital disorder of glycosylation type 2C; CDG 2C; Leukocyte adhesion deficiency type 2; Rambam Hasharon syndrome. Identifiers: Orphanet 2968, Orphanet 99843, MedGen C0398739, MONDO:0009953, OMIM 266265.

Allele frequency attached by ClinVar (database versions not stated): gnomAD 0.00001; gnomAD exomes 0.00001; ExAC 0.00002; TOPMed 0.00002.
gnomAD v4.1: 33 of 1,612,614 alleles (0.002%); highest among the groups gnomAD compares: Non-Finnish European, 0.0022%; no homozygotes.

Submission:

Labcorp Genetics (formerly Invitae), Labcorp
Classification: Uncertain significance for Leukocyte adhesion deficiency type II. Last evaluated: 2025-12-15. Review status: criteria provided, single submitter. Criteria: Invitae Variant Classification Sherloc (09022015). Collection method: clinical testing. Allele origin: germline.
Comment: This sequence change replaces alanine, which is neutral and non-polar, with threonine, which is neutral and polar, at codon 238 of the SLC35C1 protein (p.Ala238Thr). The frequency data for this variant in the population databases is considered unreliable, as metrics indicate poor data quality at this position in the gnomAD database. This variant has not been reported in the literature in individuals affected with SLC35C1-related conditions. ClinVar contains an entry for this variant (Variation ID: 646588). Invitae Evidence Modeling of protein sequence and biophysical properties (such as structural, functional, and spatial information, amino acid conservation, physicochemical variation, residue mobility, and thermodynamic stability) indicates that this missense variant is not expected to disrupt SLC35C1 protein function with a negative predictive value of 80%. In summary, the available evidence is currently insufficient to determine the role of this variant in disease. Therefore, it has been classified as a Variant of Uncertain Significance.

NM_018389.5(SLC35C1):c.712G>A (p.Ala238Thr)

Gene: SLC35C1 (solute carrier family 35 member C1; plus strand). Cytogenetic location: 11p11.2.
Variant type: single nucleotide variant.
Coding change: c.712G>A on transcript NM_018389.5 (MANE Select); coding-DNA position 712, G replaced by A.
Protein change: p.Ala238Thr; replaces alanine 238 with threonine.
Molecular consequence: missense variant.
Genome position (GRCh38, 1-based): chr11:45,810,952, G>A. VCF-style: chr11-45810952-G-A. GRCh37 (hg19) VCF-style: chr11-45832503-G-A.
Other names: c.673G>A, p.Ala225Thr (NM_001145265.2, NM_001145266.2); short protein forms A225T, A238T.
Identifiers: ClinVar variation 646588 (VCV000646588.8), dbSNP rs747660149, ClinGen allele CA5958318.
Genomic context (GRCh38, chr11:45,810,952, plus strand): 5'-AAGGTGCTCCCGGCGGTGGACGGCAGCATCTGGCGCCTGACTTTCTACAACAACGTCAAC[G>A]CCTGCATCCTCTTCCTGCCCCTGCTCCTGCTGCTCGGGGAGCTTCAGGCCCTGCGTGACT-3'
Protein context (NP_060859.4, residues 228-248): WRLTFYNNVN[Ala238Thr]CILFLPLLLL